The following is an entry in ClinVar:

NM_001379451.1(BCORL1):c.1495C>T (p.Leu499Phe)

Gene: BCORL1 (BCL6 corepressor like 1; plus strand). Cytogenetic location: Xq26.1.
Variant type: single nucleotide variant.
Coding change: c.1495C>T on transcript NM_001379451.1 (MANE Select); coding-DNA position 1495, C replaced by T.
Protein change: p.Leu499Phe; replaces leucine 499 with phenylalanine.
Molecular consequence: missense variant.
Genome position (GRCh38, 1-based): chrX:130,014,267, C>T. VCF-style: chrX-130014267-C-T. GRCh37 (hg19) VCF-style: chrX-129148243-C-T.
Other names: c.1495C>T, p.Leu499Phe (NM_001184772.3, NM_001379450.1, NM_021946.5); short protein forms L499F.
Identifiers: ClinVar variation 389767 (VCV000389767.2), dbSNP rs1057523534, ClinGen allele CA16608735.
Genomic context (GRCh38, chrX:130,014,267, plus strand): 5'-CCTGTCCTGCCGTCCTACCTGCAGGACAGGTGTCTCCCAGGCGTGCTAGCCTCCCCCGAG[C>T]TCCGTTCTTACCCGTATGCATTTTCTGTGGCCCGGCCTCTGACTTCGGATTCCAAGCTGG-3'
Protein context (NP_001366380.1, residues 489-509): CLPGVLASPE[Leu499Phe]RSYPYAFSVA

ClinVar aggregate classification (germline): Uncertain significance (1 of 4 stars; one submission).

Submission:

GeneDx
Classification: Uncertain significance. Last evaluated: 2016-10-10. Review status: criteria provided, single submitter. Criteria: GeneDx Variant Classification (06012015). Collection method: clinical testing. Allele origin: germline. Affected: yes.
Comment: The L499F variant in the BCORL1 gene has not been reported previously as a pathogenic variant, noras a benign variant, to our knowledge. The L499F variant was not observed in approximately 6500individuals of European and African American ancestry in the NHLBI Exome Sequencing Project,indicating it is not a common benign variant in these populations. The L499F variant is aconservative amino acid substitution, which is not likely to impact secondary protein structure asthese residues share similar properties. This substitution occurs at a position that is conserved inmammals. In silico analysis is inconsistent in its predictions as to whether or not the variant isdamaging to the protein structure/function. We interpret L499F as a variant of uncertain significance.